The following is an entry in ClinVar:

ClinVar aggregate classification (germline): Likely benign (1 of 4 stars; one submission).

Conditions:
EPPK1-related disorder. Also called: EPPK1-related condition.

gnomAD v4.1: 10 of 255,352 alleles (0.0039%); highest among the groups gnomAD compares: South Asian, 0.024%; no homozygotes.

Submission:

PreventionGenetics, part of Exact Sciences
Classification: Likely benign for EPPK1-related condition. Last evaluated: 2024-10-02. Review status: criteria provided, single submitter. Criteria: ACMG Guidelines, 2015. Collection method: clinical testing. Allele origin: germline.
Comment: This variant is classified as likely benign based on ACMG/AMP sequence variant interpretation guidelines (Richards et al. 2015 PMID: 25741868, with internal and published modifications).

NM_031308.4(EPPK1):c.7173G>A (p.Thr2391=)

Gene: EPPK1 (epiplakin 1; minus strand). Cytogenetic location: 8q24.3.
Variant type: single nucleotide variant.
Coding change: c.7173G>A on transcript NM_031308.4 (MANE Select); coding-DNA position 7173, G replaced by A.
Protein change: p.Thr2391=; no amino-acid change (threonine 2391 retained).
Molecular consequence: synonymous variant.
Genome position (GRCh38, 1-based): chr8:143,866,081, C>T on the plus strand (G>A on the coding strand, the complement: EPPK1 is on the minus strand). VCF-style: chr8-143866081-C-T.
Identifiers: ClinVar variation 4978190 (VCV004978190.1).